The following is an entry in ClinVar:

ClinVar aggregate classification (germline): Likely benign (1 of 4 stars; one submission).

Allele frequency attached by ClinVar (database versions not stated): ExAC 0.00005.
gnomAD v4.1: 1 of 936,424 alleles (0.00011%); highest among the groups gnomAD compares: East Asian, 0.0025%; no homozygotes.

Submission:

GeneDx
Classification: Likely benign. Last evaluated: 2017-10-25. Review status: criteria provided, single submitter. Criteria: GeneDx Variant Classification (06012015). Collection method: clinical testing. Allele origin: germline. Affected: yes.
Comment: This variant is considered likely benign or benign based on one or more of the following criteria: it is a conservative change, it occurs at a poorly conserved position in the protein, it is predicted to be benign by multiple in silico algorithms, and/or has population frequency not consistent with disease.

NM_005359.6(SMAD4):c.-109C>G

Gene: SMAD4 (SMAD family member 4; plus strand). Cytogenetic location: 18q21.2.
Variant type: single nucleotide variant.
Coding change: c.-109C>G on transcript NM_005359.6 (MANE Select); 109 bases upstream of the start codon, C replaced by G.
Molecular consequence: 5 prime UTR variant.
Genome position (GRCh38, 1-based): chr18:51,046,938, C>G. VCF-style: chr18-51046938-C-G. GRCh37 (hg19) VCF-style: chr18-48573308-C-G.
Identifiers: ClinVar variation 516440 (VCV000516440.1), dbSNP rs757567812, ClinGen allele CA8965703.